The following is an entry in ClinVar:

ClinVar aggregate classification (germline): Likely pathogenic (1 of 4 stars; one submission).

Conditions:
Methylmalonic acidemia (MMA). Also called: Isolated Methylmalonic Acidemia. Identifiers: MedGen C0268583, MeSH C537358, MONDO:0002012, HP:0002912.

gnomAD v4.1: 3 of 1,614,100 alleles (0.00019%); highest among the groups gnomAD compares: Non-Finnish European, 0.00025%; no homozygotes.

Submission:

Women's Health and Genetics/Laboratory Corporation of America, LabCorp
Classification: Likely pathogenic for Methylmalonic acidemia. Last evaluated: 2025-02-05. Review status: criteria provided, single submitter. Criteria: LabCorp Variant Classification Summary - May 2015. Collection method: clinical testing. Allele origin: germline.
Comment: Variant summary: MUT c.346G>A (p.Val116Met) results in a conservative amino acid change in the encoded protein sequence. Four of five in-silico tools predict a damaging effect of the variant on protein function. The variant was absent in 251318 control chromosomes. c.346G>A has been reported in the compound heterozygous state in the literature in multiple individuals affected with Methylmalonic Acidemia (example, Ling_2024, Tan_2021, Yu_2021). These data indicate that the variant is likely to be associated with disease. To our knowledge, no experimental evidence demonstrating an impact on protein function has been reported. The following publications have been ascertained in the context of this evaluation (PMID: 39075538, 34394177, 34668645). No submitters have cited clinical-significance assessments for this variant to ClinVar. Based on the evidence outlined above, the variant was classified as likely pathogenic.

Literature cited by the submitters: PubMed 34394177; PubMed 34668645; PubMed 39075538.

NM_000255.4(MMUT):c.346G>A (p.Val116Met)

Gene: MMUT (methylmalonyl-CoA mutase; minus strand). Cytogenetic location: 6p12.3.
Variant type: single nucleotide variant.
Coding change: c.346G>A on transcript NM_000255.4 (MANE Select); coding-DNA position 346, G replaced by A.
Protein change: p.Val116Met; replaces valine 116 with methionine.
Molecular consequence: missense variant.
Genome position (GRCh38, 1-based): chr6:49,459,121, C>T on the plus strand (G>A on the coding strand, the complement: MMUT is on the minus strand). VCF-style: chr6-49459121-C-T. GRCh37 (hg19) VCF-style: chr6-49426834-C-T.
Other names: short protein forms V116M.
Identifiers: ClinVar variation 3768741 (VCV003768741.1).